The following is an entry in ClinVar:

NM_182961.4(SYNE1):c.14548G>A (p.Ala4850Thr)

Gene: SYNE1 (spectrin repeat containing nuclear envelope protein 1; minus strand). Cytogenetic location: 6q25.2.
Variant type: single nucleotide variant.
Coding change: c.14548G>A on transcript NM_182961.4 (MANE Select); coding-DNA position 14548, G replaced by A.
Protein change: p.Ala4850Thr; replaces alanine 4850 with threonine.
Molecular consequence: missense variant.
Genome position (GRCh38, 1-based): chr6:152,330,137, C>T on the plus strand (G>A on the coding strand, the complement: SYNE1 is on the minus strand). VCF-style: chr6-152330137-C-T. GRCh37 (hg19) VCF-style: chr6-152651272-C-T.
Other names: c.14335G>A, p.Ala4779Thr (NM_033071.5); short protein forms A4850T, A4779T.
Identifiers: ClinVar variation 2198150 (VCV002198150.1), dbSNP rs375093509, ClinGen allele CA150175909.

ClinVar aggregate classification (germline): Uncertain significance (1 of 4 stars; one submission).

Conditions:
Emery-Dreifuss muscular dystrophy 4, autosomal dominant (EDMD4). Also called: EMERY-DREIFUSS MUSCULAR DYSTROPHY 4 WITH VARIABLE FEATURES. Identifiers: Orphanet 261, MedGen C2751807, MONDO:0013071, OMIM 612998.
Autosomal recessive ataxia, Beauce type. Also called: Spinocerebellar ataxia, autosomal recessive 8; ATAXIA, RECESSIVE, OF BEAUCE; SYNE1-Related Autosomal Recessive Cerebellar Ataxia; SYNE1 Deficiency. Identifiers: Orphanet 88644, MedGen C1853116, MONDO:0012549, OMIM 610743.

Allele frequency attached by ClinVar (database versions not stated): gnomAD exomes below 0.00001; TOPMed below 0.00001; gnomAD 0.00001.
gnomAD v4.1: 3 of 1,614,032 alleles (0.00019%); highest among the groups gnomAD compares: East Asian, 0.0022%; no homozygotes.

Submission:

Labcorp Genetics (formerly Invitae), Labcorp
Classification: Uncertain significance for Emery-Dreifuss muscular dystrophy 4, autosomal dominant; Autosomal recessive ataxia, Beauce type. Last evaluated: 2022-06-22. Review status: criteria provided, single submitter. Criteria: Invitae Variant Classification Sherloc (09022015). Collection method: clinical testing. Allele origin: germline.
Comment: This sequence change replaces alanine, which is neutral and non-polar, with threonine, which is neutral and polar, at codon 4779 of the SYNE1 protein (p.Ala4779Thr). This variant is present in population databases (rs375093509, gnomAD 0.003%). This variant has not been reported in the literature in individuals affected with SYNE1-related conditions. Algorithms developed to predict the effect of missense changes on protein structure and function are either unavailable or do not agree on the potential impact of this missense change (SIFT: "Deleterious"; PolyPhen-2: "Benign"; Align-GVGD: "Class C0"). In summary, the available evidence is currently insufficient to determine the role of this variant in disease. Therefore, it has been classified as a Variant of Uncertain Significance.